The following is an entry in ClinVar:

ClinVar aggregate classification (germline): Uncertain significance (1 of 4 stars; one submission).

Conditions:
Early-infantile DEE. Also called: Early infantile epileptic encephalopathy; Ohtahara syndrome; Early infantile epileptic encephalopathy with suppression bursts. Identifiers: Orphanet 1934, MedGen C0393706, MONDO:0800491.

gnomAD v4.1: 2 of 1,614,058 alleles (0.00012%); highest among the groups gnomAD compares: Middle Eastern, 0.017%; no homozygotes.

Submission:

Labcorp Genetics (formerly Invitae), Labcorp
Classification: Uncertain significance for Early-infantile DEE. Last evaluated: 2025-09-27. Review status: criteria provided, single submitter. Criteria: Invitae Variant Classification Sherloc (09022015). Collection method: clinical testing. Allele origin: germline.
Comment: This sequence change replaces arginine, which is basic and polar, with leucine, which is neutral and non-polar, at codon 950 of the SPTAN1 protein (p.Arg950Leu). This variant is not present in population databases (gnomAD no frequency). This variant has not been reported in the literature in individuals affected with SPTAN1-related conditions. Invitae Evidence Modeling of protein sequence and biophysical properties (such as structural, functional, and spatial information, amino acid conservation, physicochemical variation, residue mobility, and thermodynamic stability) has been performed for this missense variant. However, the output from this modeling did not meet the statistical confidence thresholds required to predict the impact of this variant on SPTAN1 protein function. In summary, the available evidence is currently insufficient to determine the role of this variant in disease. Therefore, it has been classified as a Variant of Uncertain Significance.

NM_001130438.3(SPTAN1):c.2849G>T (p.Arg950Leu)

Gene: SPTAN1 (spectrin alpha, non-erythrocytic 1; plus strand). Cytogenetic location: 9q34.11.
Variant type: single nucleotide variant.
Coding change: c.2849G>T on transcript NM_001130438.3 (MANE Select); coding-DNA position 2849, G replaced by T.
Protein change: p.Arg950Leu; replaces arginine 950 with leucine.
Molecular consequence: missense variant.
Genome position (GRCh38, 1-based): chr9:128,587,676, G>T. VCF-style: chr9-128587676-G-T. GRCh37 (hg19) VCF-style: chr9-131349955-G-T.
Other names: c.2849G>T, p.Arg950Leu (NM_001195532.2, NM_001363759.2, NM_001363765.2 and 10 more transcripts); c.2885G>T, p.Arg962Leu (NM_001375312.2, NM_001375318.1, NM_001438440.1); short protein forms R950L, R962L.
Identifiers: ClinVar variation 4806557 (VCV004806557.1).
Genomic context (GRCh38, chr9:128,587,676, plus strand): 5'-AGAAACACGAAGCTTTGATGTCAGATCTCAGTGCCTACGGCAGCAGCATCCAGGCTTTGC[G>T]AGAACAAGCACAGTCCTGCCGGGTAAACTTGTAACAGTTTATGGGTTACTGGAGGGAGGC-3'
Protein context (NP_001123910.1, residues 940-960): SAYGSSIQAL[Arg950Leu]EQAQSCRQQV